The following is an entry in ClinVar:

ClinVar aggregate classification (germline): Benign/Likely benign. Review status: criteria provided, multiple submitters, no conflicts (2 of 4 stars). 5 submissions from 5 submitters: Benign (3); Likely benign (1). 1 of the submissions does not count toward it. Last evaluated 2026-02-01.

Conditions:
MHC class II deficiency. Also called: Bare lymphocyte syndrome 2; BLS, TYPE II. Identifiers: Orphanet 572, MedGen C5447452, MONDO:0008855.

Allele frequency attached by ClinVar (database versions not stated): ESP Exome Variant Server 0.00856; gnomAD 0.00895 and 0.00945; 1000 Genomes Project 0.01078; ExAC 0.00280; gnomAD exomes 0.00082 and 0.00230; TOPMed 0.01017; 1000 Genomes Project 30x 0.01077.
gnomAD v4.1: 2,625 of 1,613,500 alleles (0.16%); highest among the groups gnomAD compares: African/African-American, 3%; 48 homozygotes.

Submissions (5):

Labcorp Genetics (formerly Invitae), Labcorp
Classification: Benign for MHC class II deficiency. Last evaluated: 2026-02-01. Review status: criteria provided, single submitter. Criteria: Invitae Variant Classification Sherloc (09022015). Collection method: clinical testing. Allele origin: germline.

Women's Health and Genetics/Laboratory Corporation of America, LabCorp
Classification: Likely benign. Last evaluated: 2026-01-22. Review status: criteria provided, single submitter. Criteria: LabCorp Variant Classification Summary - May 2015. Collection method: clinical testing. Allele origin: germline.

Illumina Laboratory Services, Illumina
Classification: Benign for MHC class II deficiency 1. Last evaluated: 2018-01-12. Review status: criteria provided, single submitter. Criteria: ICSL Variant Classification Criteria 13 December 2019. Collection method: clinical testing. Allele origin: germline.
Comment: This variant was observed in the ICSL laboratory as part of a predisposition screen in an ostensibly healthy population. It had not been previously curated by ICSL or reported in the Human Gene Mutation Database (HGMD: prior to June 1st, 2018), and was therefore a candidate for classification through an automated scoring system. Utilizing variant allele frequency, disease prevalence and penetrance estimates, and inheritance mode, an automated score was calculated to assess if this variant is too frequent to cause the disease. Based on the score and internal cut-off values, a variant classified as benign is not then subjected to further curation. The score for this variant resulted in a classification of benign for this disease.

Breakthrough Genomics
Classification: Benign. Review status: criteria provided, single submitter. Criteria: ACMG Guidelines, 2015. Collection method: not provided. Allele origin: germline. Inheritance: Autosomal recessive inheritance. Affected: yes.

Natera, Inc.
Classification: Benign for Bare lymphocyte syndrome type II. Last evaluated: 2020-09-16. Review status: no assertion criteria provided. Collection method: clinical testing. Allele origin: germline. Not counted in ClinVar's aggregate classification.

NM_000246.4(CIITA):c.1973C>G (p.Ala658Gly)

Gene: CIITA (class II major histocompatibility complex transactivator; plus strand). Cytogenetic location: 16p13.13.
Variant type: single nucleotide variant.
Coding change: c.1973C>G on transcript NM_000246.4 (MANE Select); coding-DNA position 1973, C replaced by G.
Protein change: p.Ala658Gly; replaces alanine 658 with glycine.
Molecular consequence: missense variant. On other transcripts: intron variant (1).
Genome position (GRCh38, 1-based): chr16:10,907,465, C>G. VCF-style: chr16-10907465-C-G. GRCh37 (hg19) VCF-style: chr16-11001322-C-G.
Other names: c.1976C>G, p.Ala659Gly (NM_001286402.1, NM_001379332.1); c.1829C>G, p.Ala610Gly (NM_001379330.1); c.1826C>G, p.Ala609Gly (NM_001379331.1); c.1973C>G, p.Ala658Gly (NM_001379333.1); c.1904C>G, p.Ala635Gly (NM_001379334.1); c.860-1518C>G (NM_001286403.2); short protein forms A658G, A659G, A609G, A610G, A635G.
Identifiers: ClinVar variation 317701 (VCV000317701.18), dbSNP rs2229319, ClinGen allele CA7900261.